The following is an entry in ClinVar:

ClinVar aggregate classification (germline): Pathogenic (1 of 4 stars; one submission).

Submission:

Labcorp Genetics (formerly Invitae), Labcorp
Classification: Pathogenic. Last evaluated: 2021-05-02. Review status: criteria provided, single submitter. Criteria: Invitae Variant Classification Sherloc (09022015). Collection method: clinical testing. Allele origin: germline.
Comment: This sequence change creates a premature translational stop signal (p.Trp775*) in the NPHS1 gene. It is expected to result in an absent or disrupted protein product. This variant is not present in population databases (ExAC no frequency). This variant has not been reported in the literature in individuals with NPHS1-related conditions. Algorithms developed to predict the effect of sequence changes on RNA splicing suggest that this variant may create or strengthen a splice site, but this prediction has not been confirmed by published transcriptional studies. Loss-of-function variants in NPHS1 are known to be pathogenic (PMID: 11317351, 11854170, 12039988). For these reasons, this variant has been classified as Pathogenic.

Literature cited by the submitters: PubMed 11317351; PubMed 11854170; PubMed 12039988.

NM_004646.4(NPHS1):c.2324G>A (p.Trp775Ter)

Gene: NPHS1 (NPHS1 adhesion molecule, nephrin; minus strand). Cytogenetic location: 19q13.12.
Variant type: single nucleotide variant.
Coding change: c.2324G>A on transcript NM_004646.4 (MANE Select); coding-DNA position 2324, G replaced by A.
Protein change: p.Trp775Ter; replaces tryptophan 775 with a stop codon.
Molecular consequence: nonsense.
Genome position (GRCh38, 1-based): chr19:35,843,482, C>T on the plus strand (G>A on the coding strand, the complement: NPHS1 is on the minus strand). VCF-style: chr19-35843482-C-T. GRCh37 (hg19) VCF-style: chr19-36334384-C-T.
Other names: short protein forms W775*.
Identifiers: ClinVar variation 952462 (VCV000952462.4), dbSNP rs1973089176, ClinGen allele CA405395854.